The following is an entry in ClinVar:

NM_199420.4(POLQ):c.980T>C (p.Val327Ala)

Gene: POLQ (DNA polymerase theta; minus strand). Cytogenetic location: 3q13.33.
Variant type: single nucleotide variant.
Coding change: c.980T>C on transcript NM_199420.4 (MANE Select); coding-DNA position 980, T replaced by C.
Protein change: p.Val327Ala; replaces valine 327 with alanine.
Molecular consequence: missense variant.
Genome position (GRCh38, 1-based): chr3:121,529,773, A>G on the plus strand (T>C on the coding strand, the complement: POLQ is on the minus strand). VCF-style: chr3-121529773-A-G. GRCh37 (hg19) VCF-style: chr3-121248620-A-G.
Other names: short protein forms V327A.
Identifiers: ClinVar variation 1768286 (VCV001768286.2), dbSNP rs2546817113, ClinGen allele CA354124872.

ClinVar aggregate classification (germline): Uncertain significance (1 of 4 stars; one submission).

Submission:

Ambry Genetics
Classification: Uncertain significance. Last evaluated: 2021-09-19. Review status: criteria provided, single submitter. Criteria: Ambry Variant Classification Scheme 2023. Collection method: clinical testing. Allele origin: germline.
Comment: The p.V327A variant (also known as c.980T>C), located in coding exon 7 of the POLQ gene, results from a T to C substitution at nucleotide position 980. The valine at codon 327 is replaced by alanine, an amino acid with similar properties. This amino acid position is conserved. In addition, the in silico prediction for this alteration is inconclusive. Since supporting evidence is limited at this time, the clinical significance of this alteration remains unclear.